The following is an entry in ClinVar:

NM_000222.3(KIT):c.2273A>G (p.Glu758Gly)

Gene: KIT (KIT proto-oncogene, receptor tyrosine kinase; plus strand). Cytogenetic location: 4q12.
Variant type: single nucleotide variant.
Coding change: c.2273A>G on transcript NM_000222.3 (MANE Select); coding-DNA position 2273, A replaced by G.
Protein change: p.Glu758Gly; replaces glutamic acid 758 with glycine.
Molecular consequence: missense variant.
Genome position (GRCh38, 1-based): chr4:54,731,910, A>G. VCF-style: chr4-54731910-A-G. GRCh37 (hg19) VCF-style: chr4-55598076-A-G.
Other names: c.2261A>G, p.Glu754Gly (NM_001093772.2, NM_001385292.1); c.2276A>G, p.Glu759Gly (NM_001385284.1); c.2270A>G, p.Glu757Gly (NM_001385285.1); c.2258A>G, p.Glu753Gly (NM_001385286.1); c.2264A>G, p.Glu755Gly (NM_001385288.1); c.2273A>G, p.Glu758Gly (NM_001385290.1); short protein forms E758G, E754G, E753G, E755G, E757G, E759G.
Identifiers: ClinVar variation 528498 (VCV000528498.11), dbSNP rs749166896, ClinGen allele CA2923708.

ClinVar aggregate classification (germline): Conflicting classifications of pathogenicity. Review status: criteria provided, conflicting classifications (1 of 4 stars). 3 submissions from 3 submitters: Uncertain significance (2); Likely benign (1). Last evaluated 2026-05-29.

Conditions:
Hereditary cancer-predisposing syndrome. Also called: Tumor predisposition; Hereditary neoplastic syndrome; Hereditary Cancer Syndrome; Neoplastic Syndromes, Hereditary. Identifiers: Orphanet 140162, MedGen C0027672, MeSH D009386, MONDO:0015356.
Gastrointestinal stromal tumor. Also called: Gastrointestinal stroma tumor; Gastrointestinal stromal tumor, somatic. Identifiers: Orphanet 44890, MedGen C0238198, MeSH D046152, MONDO:0011719, OMIM 606764, HP:0100723.

Allele frequency attached by ClinVar (database versions not stated): ExAC 0.00001; gnomAD exomes 0.00001.
gnomAD v4.1: 14 of 1,613,688 alleles (0.00087%); highest among the groups gnomAD compares: Non-Finnish European, 0.0012%; no homozygotes.

Submissions (3):

Myriad Genetics, Inc.
Classification: Likely benign for Gastrointestinal stromal tumor. Last evaluated: 2026-05-29. Review status: criteria provided, single submitter. Criteria: Myriad Autosomal Dominant, Autosomal Recessive and X-Linked Classification Criteria (2023). Collection method: clinical testing. Allele origin: unknown.
Comment: This variant is considered likely benign. This variant has been observed at a population frequency that is significantly greater than expected given the associated disease prevalence and penetrance.

Ambry Genetics
Classification: Uncertain significance for Hereditary cancer-predisposing syndrome. Last evaluated: 2025-09-16. Review status: criteria provided, single submitter. Criteria: Ambry Variant Classification Scheme 2023. Collection method: clinical testing. Allele origin: germline.
Comment: The p.E758G variant (also known as c.2273A>G), located in coding exon 16 of the KIT gene, results from an A to G substitution at nucleotide position 2273. The glutamic acid at codon 758 is replaced by glycine, an amino acid with similar properties. This amino acid position is not well conserved in available vertebrate species. In addition, the in silico prediction for this alteration is inconclusive. Based on the available evidence, the clinical significance of this variant remains unclear.

Labcorp Genetics (formerly Invitae), Labcorp
Classification: Uncertain significance for Gastrointestinal stromal tumor. Last evaluated: 2021-08-26. Review status: criteria provided, single submitter. Criteria: Invitae Variant Classification Sherloc (09022015). Collection method: clinical testing. Allele origin: germline.
Comment: This sequence change replaces glutamic acid with glycine at codon 758 of the KIT protein (p.Glu758Gly). The glutamic acid residue is highly conserved and there is a moderate physicochemical difference between glutamic acid and glycine. This variant is present in population databases (rs749166896, ExAC 0.001%). This variant has not been reported in the literature in individuals affected with KIT-related conditions. Algorithms developed to predict the effect of missense changes on protein structure and function (SIFT, PolyPhen-2, Align-GVGD) all suggest that this variant is likely to be disruptive. In summary, the available evidence is currently insufficient to determine the role of this variant in disease. Therefore, it has been classified as a Variant of Uncertain Significance.